The following is an entry in ClinVar:

NM_001844.5(COL2A1):c.1262C>A (p.Ser421Tyr)

Gene: COL2A1 (collagen type II alpha 1 chain; minus strand). Cytogenetic location: 12q13.11.
Variant type: single nucleotide variant.
Coding change: c.1262C>A on transcript NM_001844.5 (MANE Select); coding-DNA position 1262, C replaced by A.
Protein change: p.Ser421Tyr; replaces serine 421 with tyrosine.
Molecular consequence: missense variant.
Genome position (GRCh38, 1-based): chr12:47,987,273, G>T on the plus strand (C>A on the coding strand, the complement: COL2A1 is on the minus strand). VCF-style: chr12-47987273-G-T. GRCh37 (hg19) VCF-style: chr12-48381056-G-T.
Other names: c.1055C>A, p.Ser352Tyr (NM_033150.3); short protein forms S352Y, S421Y.
Identifiers: ClinVar variation 4974996 (VCV004974996.1).

ClinVar aggregate classification (germline): Uncertain significance (1 of 4 stars; one submission).

Conditions:
Spondyloepiphyseal dysplasia congenita (SEDC). Also called: SED CONGENITA; SPONDYLOEPIPHYSEAL DYSPLASIA, CONGENITAL TYPE. Identifiers: Orphanet 94068, MedGen C2745959, MONDO:0008471, OMIM 183900.

Submission:

Diagnostics Services (NGS), CSIR - Centre For Cellular And Molecular Biology
Classification: Uncertain significance for Spondyloepiphyseal dysplasia congenita. Last evaluated: 2026-08-24. Review status: criteria provided, single submitter. Criteria: ACMG Guidelines, 2015. Collection method: clinical testing. Allele origin: germline. Affected: yes. Observed: 1 variant allele, 1 heterozygote.
Comment: The c.1262C>A variant is not present in publicly available population databases like 1000 Genomes, EVS, gnomAD, Indian Exome Database, GenomeIndia Database or in our internal database. This variant has neither been published in the literature for COL2A1-related conditions nor reported to clinical databases like Human Genome Mutation Databases (HGMD), ClinVar or OMIM, in any affected individuals. In-silico pathogenicity prediction programs like SIFT, Polyphen-2, MutationTaster2, REVEL, CADD, predicted this variant to be likely deleterious, however these predictions were not confirmed by published functional studies. This variant is present in a mutational hotspot region of the gene.